The following is an entry in ClinVar:

NM_015466.4(PTPN23):c.2558C>T (p.Pro853Leu)

Gene: PTPN23 (protein tyrosine phosphatase non-receptor type 23; plus strand). Cytogenetic location: 3p21.31.
Variant type: single nucleotide variant.
Coding change: c.2558C>T on transcript NM_015466.4 (MANE Select); coding-DNA position 2558, C replaced by T.
Protein change: p.Pro853Leu; replaces proline 853 with leucine.
Molecular consequence: missense variant.
Genome position (GRCh38, 1-based): chr3:47,410,356, C>T. VCF-style: chr3-47410356-C-T. GRCh37 (hg19) VCF-style: chr3-47451846-C-T.
Other names: c.2180C>T, p.Pro727Leu (NM_001304482.2); c.2558C>T (NM_015466.2); short protein forms P727L, P853L.
Identifiers: ClinVar variation 1352402 (VCV001352402.6), dbSNP rs368706601, ClinGen allele CA2366075.

ClinVar aggregate classification (germline): Uncertain significance. Review status: criteria provided, multiple submitters, no conflicts (2 of 4 stars). 2 submissions from 2 submitters: Uncertain significance (2). Last evaluated 2024-12-21.

Allele frequency attached by ClinVar (database versions not stated): gnomAD exomes 0.00001 and 0.00005; gnomAD 0.00008; 1000 Genomes Project 0.00020; ESP Exome Variant Server 0.00008; ExAC 0.00005; TOPMed 0.00009; 1000 Genomes Project 30x 0.00016.
gnomAD v4.1: 31 of 1,608,834 alleles (0.0019%); highest among the groups gnomAD compares: African/African-American, 0.017%; no homozygotes.

Submissions (2):

GeneDx
Classification: Uncertain significance. Last evaluated: 2024-12-21. Review status: criteria provided, single submitter. Criteria: GeneDx Variant Classification Process June 2021. Collection method: clinical testing. Allele origin: germline. Affected: yes.
Comment: In silico analysis indicates that this missense variant does not alter protein structure/function; Has not been previously published as pathogenic or benign to our knowledge

Labcorp Genetics (formerly Invitae), Labcorp
Classification: Uncertain significance. Last evaluated: 2022-06-15. Review status: criteria provided, single submitter. Criteria: Invitae Variant Classification Sherloc (09022015). Collection method: clinical testing. Allele origin: germline.
Comment: This sequence change replaces proline, which is neutral and non-polar, with leucine, which is neutral and non-polar, at codon 853 of the PTPN23 protein (p.Pro853Leu). This variant is present in population databases (rs368706601, gnomAD 0.04%). This variant has not been reported in the literature in individuals affected with PTPN23-related conditions. Algorithms developed to predict the effect of missense changes on protein structure and function are either unavailable or do not agree on the potential impact of this missense change (SIFT: "Tolerated"; PolyPhen-2: "Not Available"; Align-GVGD: "Class C0"). In summary, the available evidence is currently insufficient to determine the role of this variant in disease. Therefore, it has been classified as a Variant of Uncertain Significance.